The following is an entry in ClinVar:

ClinVar aggregate classification (germline): Pathogenic. Review status: criteria provided, multiple submitters, no conflicts (2 of 4 stars). 6 submissions from 6 submitters: Pathogenic (5). 1 of the submissions does not count toward it. Last evaluated 2025-07-02.

Conditions:
Propionic acidemia (PROP). Also called: GLYCINEMIA, KETOTIC; HYPERGLYCINEMIA WITH KETOACIDOSIS AND LEUKOPENIA; KETOTIC HYPERGLYCINEMIA. Identifiers: Orphanet 35, MedGen C0268579, MONDO:0011628, OMIM 606054, HP:0003571.

Allele frequency attached by ClinVar (database versions not stated): gnomAD exomes below 0.00001; gnomAD 0.00001; TOPMed below 0.00001.
gnomAD v4.1: 6 of 1,613,986 alleles (0.00037%); highest among the groups gnomAD compares: East Asian, 0.0022%; no homozygotes.

Submissions (6):

Natera, Inc.
Classification: Pathogenic for Propionic acidemia. Last evaluated: 2025-07-02. Review status: criteria provided, single submitter. Criteria: Natera Variant Classification Schema (03/2026). Collection method: clinical testing. Allele origin: germline.
Comment: The c.1118T>A variant in PCCA is a missense variant predicted to cause substitution of methionine to lysine at amino acid 373. This variant is rare in the general population with a frequency below the threshold expected for the associated phenotype(s). This variant has been observed in one or more individuals affected with the associated recessive disease, as either homozygous or compound heterozygous with a second variant (PMID: 10101253, 20549364, 33028371). Additionally, this variant has been observed to segregate in affected family members (PMID: 36274442). Functional studies show that this variant may disrupt protein function (PMID: 10101253). Computational prediction algorithms indicate this variant is likely to affect gene or protein function. Given the available evidence, this variant is classified as Pathogenic.

Dasa
Classification: Pathogenic. Last evaluated: 2025-05-30. Review status: criteria provided, single submitter. Criteria: DASA Assertion Criteria. Collection method: clinical testing. Allele origin: germline.
Comment: NM_000282.4(PCCA):c.1118T>A (p.Met373Lys) is a missense variant that results in the substitution of methionine with lysine. The affected residue or protein region has prior evidence supporting clinical relevance. Segregation evidence has been reported in affected families. This variant has been observed in affected individuals with related phenotype in a genotype context consistent with recessive disease (PMID: 10101253; PMID: 22033733; PMID: 33028371). Functional evidence supports a deleterious effect on the gene or gene product (PMID: 10101253; PMID: 22033733; PMID: 33028371). This variant has been recurrently observed in individuals with related phenotype (PMID: 10101253; PMID: 22033733; PMID: 33028371). Multiple computational predictions support a deleterious effect on the gene or gene product. The variant is present at low frequency in population datasets. Based on the available data, this variant is classified as pathogenic.

Labcorp Genetics (formerly Invitae), Labcorp
Classification: Pathogenic for Propionic acidemia. Last evaluated: 2023-05-11. Review status: criteria provided, single submitter. Criteria: Invitae Variant Classification Sherloc (09022015). Collection method: clinical testing. Allele origin: germline.
Comment: For these reasons, this variant has been classified as Pathogenic. Experimental studies have shown that this missense change affects PCCA function (PMID: 10101253). Advanced modeling of protein sequence and biophysical properties (such as structural, functional, and spatial information, amino acid conservation, physicochemical variation, residue mobility, and thermodynamic stability) has been performed at Invitae for this missense variant, however the output from this modeling did not meet the statistical confidence thresholds required to predict the impact of this variant on PCCA protein function. ClinVar contains an entry for this variant (Variation ID: 12024). This variant is also known as M348K. This missense change has been observed in individual(s) with propionic acidemia (PMID: 10101253, 22033733, 33028371). In at least one individual the data is consistent with being in trans (on the opposite chromosome) from a pathogenic variant. This variant is present in population databases (rs121964958, gnomAD 0.0009%). This sequence change replaces methionine, which is neutral and non-polar, with lysine, which is basic and polar, at codon 373 of the PCCA protein (p.Met373Lys).

Mendelics
Classification: Pathogenic for Propionic acidemia. Last evaluated: 2019-05-28. Review status: criteria provided, single submitter. Criteria: Mendelics Assertion Criteria 2017. Collection method: clinical testing. Allele origin: unknown.

Juno Genomics, Hangzhou Juno Genomics, Inc
Classification: Pathogenic for Propionic acidemia. Review status: criteria provided, single submitter. Criteria: ACMG Guidelines, 2015. Collection method: clinical testing. Allele origin: germline. Affected: yes.
Comment: Well-established in vitro or in vivo functional studies supportive of a damaging effect on the gene or gene product.;For recessive disorders, detected in trans with a pathogenic variant.;Multiple lines of computational evidence support a deleterious effect on the gene or gene product (conservation, evolutionary, splicing impact, etc).;Absent from controls (or at extremely low frequency if recessive) in Genome Aggregation Database, Exome Sequencing Project, 1000 Genomes Project, or Exome Aggregation Consortium.

OMIM
Classification: Pathogenic for PROPIONIC ACIDEMIA. Last evaluated: 1999-03-30. Review status: no assertion criteria provided. Collection method: literature only. Allele origin: germline. Not counted in ClinVar's aggregate classification.

Literature cited by the submitters: PubMed 10101253 (cited by 4 submitters); PubMed 20549364 (cited by Natera, Inc.); PubMed 33028371 (cited by 3 submitters); PubMed 36274442 (cited by Natera, Inc.); PubMed 22033733 (cited by Dasa and Labcorp Genetics (formerly Invitae), Labcorp).

NM_000282.4(PCCA):c.1118T>A (p.Met373Lys)

Gene: PCCA (propionyl-CoA carboxylase subunit alpha; plus strand). Cytogenetic location: 13q32.3.
Variant type: single nucleotide variant.
Coding change: c.1118T>A on transcript NM_000282.4 (MANE Select); coding-DNA position 1118, T replaced by A.
Protein change: p.Met373Lys; replaces methionine 373 with lysine.
Molecular consequence: missense variant. On other transcripts: non-coding transcript variant (5), intron variant (3).
Genome position (GRCh38, 1-based): chr13:100,301,512, T>A. VCF-style: chr13-100301512-T-A. GRCh37 (hg19) VCF-style: chr13-100953766-T-A.
Other names: M348K; c.1040T>A, p.Met347Lys (NM_001127692.3, NM_001352607.2); c.1118T>A, p.Met373Lys (NM_001178004.2, NM_001352605.2, NM_001352609.2); c.173T>A, p.Met58Lys (NM_001352610.2, NM_001352611.2); c.1066-1412T>A (NM_001352606.2); c.121-1412T>A (NM_001352612.2); c.988-1412T>A (NM_001352608.2); short protein forms M347K, M373K, M58K.
Identifiers: ClinVar variation 12024 (VCV000012024.18), dbSNP rs121964958, ClinGen allele CA278126.